The following is an entry in ClinVar:

NM_001492.6(GDF1):c.176C>T (p.Pro59Leu)

Genes: CERS1 (ceramide synthase 1; minus strand), GDF1 (growth differentiation factor 1; minus strand). Cytogenetic location: 19p13.11.
Variant type: single nucleotide variant.
Coding change: c.176C>T on transcript NM_001492.6 (MANE Select); coding-DNA position 176, C replaced by T.
Protein change: p.Pro59Leu; replaces proline 59 with leucine.
Molecular consequence: missense variant. On other transcripts: 3 prime UTR variant (2).
Genome position (GRCh38, 1-based): chr19:18,870,132, G>A on the plus strand (C>T on the coding strand, the complement: GDF1 is on the minus strand). VCF-style: chr19-18870132-G-A. GRCh37 (hg19) VCF-style: chr19-18980941-G-A.
Other names: c.176C>T (NM_001492.4); c.*445C>T (NM_001387440.1, NM_021267.5); c.176C>T, p.Pro59Leu (NM_001387438.1); short protein forms P59L.
Identifiers: ClinVar variation 1723571 (VCV001723571.4), dbSNP rs2055939751, ClinGen allele CA404863801.

ClinVar aggregate classification (germline): Uncertain significance. Review status: criteria provided, multiple submitters, no conflicts (2 of 4 stars). 2 submissions from 2 submitters: Uncertain significance (2). Last evaluated 2026-10-01.

Allele frequency attached by ClinVar (database versions not stated): gnomAD exomes below 0.00001; TOPMed below 0.00001.
gnomAD v4.1: 2 of 1,565,364 alleles (0.00013%); highest among the groups gnomAD compares: Non-Finnish European, 0.00017%; no homozygotes.

Submissions (2):

GeneDx
Classification: Uncertain significance. Last evaluated: 2026-10-01. Review status: criteria provided, single submitter. Criteria: GeneDx Variant Classification Process June 2021. Collection method: clinical testing. Allele origin: germline.
Comment: Not observed at significant frequency in large population cohorts (gnomAD); In silico analysis supports that this missense variant has a deleterious effect on protein structure/function; Has not been previously published as pathogenic or benign to our knowledge

Ambry Genetics
Classification: Uncertain significance. Last evaluated: 2025-02-01. Review status: criteria provided, single submitter. Criteria: Ambry Variant Classification Scheme 2023. Collection method: clinical testing. Allele origin: germline.